The following is an entry in ClinVar:

ClinVar aggregate classification (germline): Uncertain significance (1 of 4 stars; one submission).

Submission:

Labcorp Genetics (formerly Invitae), Labcorp
Classification: Uncertain significance. Last evaluated: 2025-05-24. Review status: criteria provided, single submitter. Criteria: Invitae Variant Classification Sherloc (09022015). Collection method: clinical testing. Allele origin: germline.
Comment: This sequence change replaces arginine, which is basic and polar, with cysteine, which is neutral and slightly polar, at codon 353 of the CFP protein (p.Arg353Cys). This variant is not present in population databases (gnomAD no frequency). This variant has not been reported in the literature in individuals affected with CFP-related conditions. An algorithm developed to predict the effect of missense changes on protein structure and function (PolyPhen-2) suggests that this variant is likely to be disruptive. In summary, the available evidence is currently insufficient to determine the role of this variant in disease. Therefore, it has been classified as a Variant of Uncertain Significance.

NM_001145252.3(CFP):c.1057C>T (p.Arg353Cys)

Gene: CFP (complement factor properdin; minus strand). Cytogenetic location: Xp11.23.
Variant type: single nucleotide variant.
Coding change: c.1057C>T on transcript NM_001145252.3 (MANE Select); coding-DNA position 1057, C replaced by T.
Protein change: p.Arg353Cys; replaces arginine 353 with cysteine.
Molecular consequence: missense variant.
Genome position (GRCh38, 1-based): chrX:47,626,403, G>A on the plus strand (C>T on the coding strand, the complement: CFP is on the minus strand). VCF-style: chrX-47626403-G-A. GRCh37 (hg19) VCF-style: chrX-47485802-G-A.
Other names: c.1057C>T, p.Arg353Cys (NM_002621.2); short protein forms R353C.
Identifiers: ClinVar variation 4702976 (VCV004702976.1).